The following is an entry in ClinVar:

NM_001008537.3(NEXMIF):c.3376G>T (p.Glu1126Ter)

Gene: NEXMIF (neurite extension and migration factor; minus strand). Cytogenetic location: Xq13.3.
Variant type: single nucleotide variant.
Coding change: c.3376G>T on transcript NM_001008537.3 (MANE Select); coding-DNA position 3376, G replaced by T.
Protein change: p.Glu1126Ter; replaces glutamic acid 1126 with a stop codon.
Molecular consequence: nonsense.
Genome position (GRCh38, 1-based): chrX:74,741,181, C>A on the plus strand (G>T on the coding strand, the complement: NEXMIF is on the minus strand). VCF-style: chrX-74741181-C-A. GRCh37 (hg19) VCF-style: chrX-73961016-C-A.
Other names: short protein forms E1126*.
Identifiers: ClinVar variation 1433345 (VCV001433345.7), dbSNP rs2147439516, ClinGen allele CA413666095.
Genomic context (GRCh38, chrX:74,741,181, plus strand): 5'-AATCCTCATCATTGAACATATGGAACTGAAACTGGTGATTATTTAAAGTAAATCCATCCT[C>A]CATTTGGACCTGCCGTGAAAGGGTACTGCAGTCCCACTTGATTTTTTCCACACTGTCCAA-3'

ClinVar aggregate classification (germline): Pathogenic (1 of 4 stars; one submission).

Submissions (2):

Labcorp Genetics (formerly Invitae), Labcorp
Classification: Pathogenic. Last evaluated: 2020-11-17. Review status: criteria provided, single submitter. Criteria: Invitae Variant Classification Sherloc (09022015). Collection method: clinical testing. Allele origin: germline.
Comment: Algorithms developed to predict the effect of sequence changes on RNA splicing suggest that this variant may create or strengthen a splice site, but this prediction has not been confirmed by published transcriptional studies. For these reasons, this variant has been classified as Pathogenic. This variant has not been reported in the literature in individuals with NEXMIF-related conditions. This variant is not present in population databases (ExAC no frequency). This sequence change creates a premature translational stop signal (p.Glu1126*) in the NEXMIF gene. It is expected to result in an absent or disrupted protein product. Loss-of-function variants in NEXMIF are known to be pathogenic (PMID: 23615299).

Dr. Peter K. Rogan Lab, Western University
No classification provided (evidence only). Condition: Thyroid cancer, nonmedullary, 1. Review status: no classification provided. Collection method: in vitro. Allele origin: not applicable. Functional consequence: retained intron. Not counted in ClinVar's aggregate classification.

Literature cited by the submitters: PubMed 23615299 (cited by Labcorp Genetics (formerly Invitae), Labcorp).